The following is an entry in ClinVar:

NM_153026.3(PRICKLE1):c.25A>G (p.Met9Val)

Gene: PRICKLE1 (prickle planar cell polarity protein 1; minus strand). Cytogenetic location: 12q12.
Variant type: single nucleotide variant.
Coding change: c.25A>G on transcript NM_153026.3 (MANE Select); coding-DNA position 25, A replaced by G.
Protein change: p.Met9Val; replaces methionine 9 with valine.
Molecular consequence: missense variant.
Genome position (GRCh38, 1-based): chr12:42,472,492, T>C on the plus strand (A>G on the coding strand, the complement: PRICKLE1 is on the minus strand). VCF-style: chr12-42472492-T-C. GRCh37 (hg19) VCF-style: chr12-42866294-T-C.
Other names: p.M9V:ATG>GTG; c.25A>G, p.Met9Val (NM_001144881.2, NM_001144882.2, NM_001144883.2); short protein forms M9V.
Identifiers: ClinVar variation 206657 (VCV000206657.9), dbSNP rs566073131, ClinGen allele CA316966.

ClinVar aggregate classification (germline): Uncertain significance. Review status: criteria provided, multiple submitters, no conflicts (2 of 4 stars). 4 submissions from 4 submitters: Uncertain significance (4). Last evaluated 2025-05-28.

Conditions:
Epilepsy, progressive myoclonic, 1B. Also called: PME. Identifiers: Orphanet 308, MedGen C2676254, MONDO:0012904, OMIM 612437.

Allele frequency attached by ClinVar (database versions not stated): gnomAD exomes 0.00001 and 0.00002; ExAC 0.00004; gnomAD 0.00012; TOPMed 0.00012; 1000 Genomes Project 0.00040; 1000 Genomes Project 30x 0.00047.
gnomAD v4.1: 36 of 1,614,226 alleles (0.0022%); highest among the groups gnomAD compares: African/African-American, 0.043%; no homozygotes.

Submissions (4):

Ambry Genetics
Classification: Uncertain significance. Last evaluated: 2025-05-28. Review status: criteria provided, single submitter. Criteria: Ambry Variant Classification Scheme 2023. Collection method: clinical testing. Allele origin: germline.

Labcorp Genetics (formerly Invitae), Labcorp
Classification: Uncertain significance for Epilepsy, progressive myoclonic, 1B. Last evaluated: 2022-08-15. Review status: criteria provided, single submitter. Criteria: Invitae Variant Classification Sherloc (09022015). Collection method: clinical testing. Allele origin: germline.
Comment: This sequence change replaces methionine, which is neutral and non-polar, with valine, which is neutral and non-polar, at codon 9 of the PRICKLE1 protein (p.Met9Val). This variant is present in population databases (rs566073131, gnomAD 0.05%). This variant has not been reported in the literature in individuals affected with PRICKLE1-related conditions. ClinVar contains an entry for this variant (Variation ID: 206657). Algorithms developed to predict the effect of missense changes on protein structure and function (SIFT, PolyPhen-2, Align-GVGD) all suggest that this variant is likely to be tolerated. Algorithms developed to predict the effect of sequence changes on RNA splicing suggest that this variant may create or strengthen a splice site. In summary, the available evidence is currently insufficient to determine the role of this variant in disease. Therefore, it has been classified as a Variant of Uncertain Significance.

GeneDx
Classification: Uncertain significance. Last evaluated: 2017-06-30. Review status: criteria provided, single submitter. Criteria: GeneDx Variant Classification (06012015). Collection method: clinical testing. Allele origin: germline. Affected: yes.
Comment: p.Met9Val (ATG>GTG): c.25 A>G in exon 2 of the PRICKLE1 gene (NM_153026.2). The c.25 A>G variant has not been published as a mutation, nor has it been reported as a benign polymorphism to our knowledge. It was not observed in approximately 6,500 individuals of European and African American ancestry in the NHLBI Exome Sequencing Project, indicating it is not a common benign variant in these populations. Multiple in silico algorithms predict c.25 A>G may create a cryptic splice donor site upstream of the natural donor site. However, in the absence of RNA/functional studies, the actual effect of the c.25 A>G on splicing is unknown. If c.25 A>G does not alter splicing, it will result in the M9V missense change which is a conservative amino acid substitution that is not likely to impact secondary protein structure as these residues share similar properties. In addition, this substitution occurs at a position that is not conserved across species and in silico analysis predicts this variant likely does not alter the protein structure/function. Therefore, based on the currently available information, it is unclear whether this variant is a pathogenic mutation or a rare benign variant. The variant is found in EPILEPSY panel(s).

Breakthrough Genomics
Classification: Uncertain significance. Review status: criteria provided, single submitter. Criteria: ACMG Guidelines, 2015. Collection method: not provided. Allele origin: germline. Inheritance: Autosomal recessive inheritance. Affected: yes.